The following is an entry in ClinVar:

ClinVar aggregate classification (germline): Uncertain significance (1 of 4 stars; one submission).

Conditions:
Gorlin syndrome. Also called: Nevoid Basal Cell Carcinoma Syndrome; Basal cell nevus syndrome. Identifiers: Orphanet 377, MedGen C0004779, MONDO:0007187.
Medulloblastoma (MDB). Also called: MEDULLOBLASTOMA PREDISPOSITION SYNDROME; Medulloblastoma, somatic. Identifiers: Orphanet 616, MedGen C0025149, MeSH D008527, MONDO:0007959, OMIM 155255, HP:0002885.

Submission:

Labcorp Genetics (formerly Invitae), Labcorp
Classification: Uncertain significance for Gorlin syndrome; Medulloblastoma. Last evaluated: 2025-04-29. Review status: criteria provided, single submitter. Criteria: Invitae Variant Classification Sherloc (09022015). Collection method: clinical testing. Allele origin: germline.
Comment: This sequence change falls in intron 11 of the SUFU gene. It does not directly change the encoded amino acid sequence of the SUFU protein. It affects a nucleotide within the consensus splice site. This variant is not present in population databases (gnomAD no frequency). This variant has not been reported in the literature in individuals affected with SUFU-related conditions. Variants that disrupt the consensus splice site are a relatively common cause of aberrant splicing (PMID: 17576681, 9536098). Algorithms developed to predict the effect of sequence changes on RNA splicing suggest that this variant may disrupt the consensus splice site. In summary, the available evidence is currently insufficient to determine the role of this variant in disease. Therefore, it has been classified as a Variant of Uncertain Significance.

Literature cited by the submitters: PubMed 17576681; PubMed 9536098.

NM_016169.4(SUFU):c.1365+4A>T

Gene: SUFU (SUFU negative regulator of hedgehog signaling; plus strand). Cytogenetic location: 10q24.32.
Variant type: single nucleotide variant.
Coding change: c.1365+4A>T on transcript NM_016169.4 (MANE Select); 4 bases into the intron after coding-DNA position 1365, A replaced by T.
Molecular consequence: intron variant.
Genome position (GRCh38, 1-based): chr10:102,627,247, A>T. VCF-style: chr10-102627247-A-T. GRCh37 (hg19) VCF-style: chr10-104387004-A-T.
Identifiers: ClinVar variation 4784864 (VCV004784864.1).